The following is an entry in ClinVar:

NM_152703.5(SAMD9L):c.625A>C (p.Thr209Pro)

Gene: SAMD9L (sterile alpha motif domain containing 9 like; minus strand). Cytogenetic location: 7q21.2.
Variant type: single nucleotide variant.
Coding change: c.625A>C on transcript NM_152703.5 (MANE Select); coding-DNA position 625, A replaced by C.
Protein change: p.Thr209Pro; replaces threonine 209 with proline.
Molecular consequence: missense variant.
Genome position (GRCh38, 1-based): chr7:93,135,347, T>G on the plus strand (A>C on the coding strand, the complement: SAMD9L is on the minus strand). VCF-style: chr7-93135347-T-G. GRCh37 (hg19) VCF-style: chr7-92764660-T-G.
Other names: c.625A>C, p.Thr209Pro (NM_001303496.3, NM_001303497.3, NM_001303498.3 and 5 more transcripts); short protein forms T209P.
Identifiers: ClinVar variation 3949986 (VCV003949986.1).
Genomic context (GRCh38, chr7:93,135,347, plus strand): 5'-TACAAGCTGATGCAAATCGGAAGACTTCATTGCTGAATTTCATCTTAATGTCCACTTCCG[T>G]GGCTGTTTCTGTGTTTGTGAGAGCTTTGAACTCATGTATTGGATCAATGAGATTGAGTGC-3'
Protein context (NP_689916.2, residues 199-219): FKALTNTETA[Thr209Pro]EVDIKMKFSN

ClinVar aggregate classification (germline): Uncertain significance (1 of 4 stars; one submission).

Conditions:
Inborn genetic diseases. Identifiers: MedGen C0950123, MeSH D030342.

Submission:

Ambry Genetics
Classification: Uncertain significance for Inborn genetic diseases. Last evaluated: 2025-06-01. Review status: criteria provided, single submitter. Criteria: Ambry Variant Classification Scheme 2023. Collection method: clinical testing. Allele origin: germline.
Comment: The p.T209P variant (also known as c.625A>C), located in coding exon 1 of the SAMD9L gene, results from an A to C substitution at nucleotide position 625. The threonine at codon 209 is replaced by proline, an amino acid with highly similar properties. This amino acid position is conserved. In addition, this alteration is predicted to be tolerated by in silico analysis. Based on the available evidence, the clinical significance of this variant remains unclear.